The following is an entry in ClinVar:

NM_173598.6(KSR2):c.969C>T (p.Asp323=)

Gene: KSR2 (kinase suppressor of ras 2; minus strand). Cytogenetic location: 12q24.23.
Variant type: single nucleotide variant.
Coding change: c.969C>T on transcript NM_173598.6 (MANE Select); coding-DNA position 969, C replaced by T.
Protein change: p.Asp323=; no amino-acid change (aspartic acid 323 retained).
Molecular consequence: synonymous variant.
Genome position (GRCh38, 1-based): chr12:117,761,028, G>A on the plus strand (C>T on the coding strand, the complement: KSR2 is on the minus strand). VCF-style: chr12-117761028-G-A. GRCh37 (hg19) VCF-style: chr12-118198833-G-A.
Identifiers: ClinVar variation 4979371 (VCV004979371.1).
Genomic context (GRCh38, chr12:117,761,028, plus strand): 5'-GCCGGGTTTCGACCGCCCCAGGGCACCCACCGATCGCACTCACTTGGGCGTGTGGGCCTC[G>A]TCCACGCGGTGCCCCAGCTGGAACTCGTGGGATTTGCTCCGATGCAGCGCGGTGAATCCC-3'
Protein context (NP_775869.4, residues 313-333): SHEFQLGHRV[Asp323=]EAHTPKAKKK

ClinVar aggregate classification (germline): Likely benign (1 of 4 stars; one submission).

Conditions:
KSR2-related disorder. Also called: KSR2-related condition.

gnomAD v4.1: 8 of 1,613,654 alleles (0.0005%); highest among the groups gnomAD compares: Admixed American, 0.0017%; no homozygotes.

Submission:

PreventionGenetics, part of Exact Sciences
Classification: Likely benign for KSR2-related condition. Last evaluated: 2026-06-22. Review status: criteria provided, single submitter. Criteria: ACMG Guidelines, 2015. Collection method: clinical testing. Allele origin: germline.
Comment: This variant is classified as likely benign based on ACMG/AMP sequence variant interpretation guidelines (Richards et al. 2015 PMID: 25741868, with internal and published modifications).